The following is an entry in ClinVar:

NM_022455.5(NSD1):c.4302+4T>C

Gene: NSD1 (nuclear receptor binding SET domain protein 1; plus strand). Cytogenetic location: 5q35.3.
Variant type: single nucleotide variant.
Coding change: c.4302+4T>C on transcript NM_022455.5 (MANE Select); 4 bases into the intron after coding-DNA position 4302, T replaced by C.
Molecular consequence: intron variant.
Genome position (GRCh38, 1-based): chr5:177,239,869, T>C. VCF-style: chr5-177239869-T-C. GRCh37 (hg19) VCF-style: chr5-176666870-T-C.
Other names: c.3429+4T>C (NM_001409308.1, NM_001409307.1, NM_172349.5 and 3 more transcripts); c.4302+4T>C (NM_001409302.1, NM_001409303.1, NM_001409301.1); c.3882+4T>C (NM_001409304.1); c.3549+4T>C (NM_001409305.1).
Identifiers: ClinVar variation 3730128 (VCV003730128.2).

ClinVar aggregate classification (germline): Uncertain significance (1 of 4 stars; one submission).

gnomAD v4.1: 2 of 1,537,916 alleles (0.00013%); highest among the groups gnomAD compares: Non-Finnish European, 0.00018%; no homozygotes.

Submission:

Labcorp Genetics (formerly Invitae), Labcorp
Classification: Uncertain significance. Last evaluated: 2023-07-25. Review status: criteria provided, single submitter. Criteria: Invitae Variant Classification Sherloc (09022015). Collection method: clinical testing. Allele origin: germline.
Comment: Variants that disrupt the consensus splice site are a relatively common cause of aberrant splicing (PMID: 17576681, 9536098). Algorithms developed to predict the effect of sequence changes on RNA splicing suggest that this variant is not likely to affect RNA splicing. In summary, the available evidence is currently insufficient to determine the role of this variant in disease. Therefore, it has been classified as a Variant of Uncertain Significance. This variant has not been reported in the literature in individuals affected with NSD1-related conditions. The frequency data for this variant in the population databases is considered unreliable, as metrics indicate poor data quality at this position in the gnomAD database. This sequence change falls in intron 8 of the NSD1 gene. It does not directly change the encoded amino acid sequence of the NSD1 protein. It affects a nucleotide within the consensus splice site.

Literature cited by the submitters: PubMed 17576681; PubMed 9536098.